The following is an entry in ClinVar:

ClinVar aggregate classification (germline): Uncertain significance (1 of 4 stars; one submission).

Conditions:
Ehlers-Danlos syndrome, classic type, 1 (EDSCL1). Also called: EHLERS-DANLOS SYNDROME, GRAVIS TYPE; EHLERS-DANLOS SYNDROME, SEVERE CLASSIC TYPE; Ehlers-Danlos syndrome, type 1; EDS I; Ehlers-Danlos Syndrome, Classic Type, COL5A1-Related. Identifiers: MedGen C0268335, MONDO:0019567, OMIM 130000.
Osteogenesis imperfecta type I (OI1). Also called: OI, TYPE I; OSTEOGENESIS IMPERFECTA TARDA; OSTEOGENESIS IMPERFECTA WITH BLUE SCLERAE; Osteogenesis imperfecta type 1; Lobstein's Disease; Lobstein disease. Identifiers: Orphanet 216796, Orphanet 666, MedGen C0023931, MONDO:0008146, OMIM 166200. Disease mechanism: loss of function.

Submission:

Labcorp Genetics (formerly Invitae), Labcorp
Classification: Uncertain significance for Osteogenesis imperfecta type I; Ehlers-Danlos syndrome, classic type, 1. Last evaluated: 2024-04-16. Review status: criteria provided, single submitter. Criteria: Invitae Variant Classification Sherloc (09022015). Collection method: clinical testing. Allele origin: germline.
Comment: This sequence change replaces valine, which is neutral and non-polar, with alanine, which is neutral and non-polar, at codon 285 of the COL1A2 protein (p.Val285Ala). This variant is not present in population databases (gnomAD no frequency). This variant has not been reported in the literature in individuals affected with COL1A2-related conditions. ClinVar contains an entry for this variant (Variation ID: 2003579). Advanced modeling of protein sequence and biophysical properties (such as structural, functional, and spatial information, amino acid conservation, physicochemical variation, residue mobility, and thermodynamic stability) performed at Invitae indicates that this missense variant is not expected to disrupt COL1A2 protein function with a negative predictive value of 95%. In summary, the available evidence is currently insufficient to determine the role of this variant in disease. Therefore, it has been classified as a Variant of Uncertain Significance.

NM_000089.4(COL1A2):c.854T>C (p.Val285Ala)

Gene: COL1A2 (collagen type I alpha 2 chain; plus strand). Cytogenetic location: 7q21.3.
Variant type: single nucleotide variant.
Coding change: c.854T>C on transcript NM_000089.4 (MANE Select); coding-DNA position 854, T replaced by C.
Protein change: p.Val285Ala; replaces valine 285 with alanine.
Molecular consequence: missense variant.
Genome position (GRCh38, 1-based): chr7:94,409,383, T>C. VCF-style: chr7-94409383-T-C. GRCh37 (hg19) VCF-style: chr7-94038695-T-C.
Other names: short protein forms V285A.
Identifiers: ClinVar variation 2003579 (VCV002003579.4), dbSNP rs1180459139, ClinGen allele CA368220653.
Genomic context (GRCh38, chr7:94,409,383, plus strand): 5'-GTGAAATTGGAGCTGTTGGTAACGCTGGTCCTGCTGGTCCCGCCGGTCCCCGTGGTGAAG[T>C]GGGTCTTCCAGGCCTCTCCGGCCCCGTTGGACCTCCTGTAAGTAGCCACTGTCTTTAAAC-3'
Protein context (NP_000080.2, residues 275-295): PAGPAGPRGE[Val285Ala]GLPGLSGPVG